The following is an entry in ClinVar:

NM_001267550.2(TTN):c.70327C>T (p.Arg23443Trp)

Genes: TTN (titin; minus strand), TTN-AS1 (TTN antisense RNA 1; plus strand), LOC126806422 (BRD4-independent group 4 enhancer GRCh37_chr2:179440205-179441404; plus strand). Cytogenetic location: 2q31.2.
Variant type: single nucleotide variant.
Coding change: c.70327C>T on transcript NM_001267550.2 (MANE Select); coding-DNA position 70327, C replaced by T.
Protein change: p.Arg23443Trp; replaces arginine 23443 with tryptophan.
Molecular consequence: missense variant.
Genome position (GRCh38, 1-based): chr2:178,575,805, G>A on the plus strand (C>T on the coding strand, the complement: TTN is on the minus strand). VCF-style: chr2-178575805-G-A. GRCh37 (hg19) VCF-style: chr2-179440532-G-A.
Other names: c.65404C>T, p.Arg21802Trp (NM_001256850.1); c.43132C>T, p.Arg14378Trp (NM_003319.4); c.62623C>T, p.Arg20875Trp (NM_133378.4); c.43507C>T, p.Arg14503Trp (NM_133432.3); c.43708C>T, p.Arg14570Trp (NM_133437.4); short protein forms R14378W, R14503W, R14570W, R20875W, R21802W, R23443W.
Identifiers: ClinVar variation 3895272 (VCV003895272.1), dbSNP rs765987438.

ClinVar aggregate classification (germline): Likely benign (1 of 4 stars; one submission).

gnomAD v4.1: 5 of 1,612,870 alleles (0.00031%); highest among the groups gnomAD compares: East Asian, 0.0045%; no homozygotes.

Submission:

Molecular Diagnostic Laboratory for Inherited Cardiovascular Disease, Montreal Heart Institute
Classification: Likely benign. Last evaluated: 2025-04-09. Review status: criteria provided, single submitter. Criteria: ACMG Guidelines, 2015. Collection method: clinical testing. Allele origin: germline. Affected: no.
Comment: BP1